The following is an entry in ClinVar:

ClinVar aggregate classification (germline): Uncertain significance (1 of 4 stars; one submission).

Conditions:
Multiple endocrine neoplasia, type 1 (MEN1). Also called: MEN I; WERMER SYNDROME; Endocrine adenomatosis multiple; MEN 1; MEA I. Identifiers: Orphanet 652, MedGen C0025267, MeSH D018761, MONDO:0007540, OMIM 131100.

Submission:

Labcorp Genetics (formerly Invitae), Labcorp
Classification: Uncertain significance for Multiple endocrine neoplasia, type 1. Last evaluated: 2023-02-27. Review status: criteria provided, single submitter. Criteria: Invitae Variant Classification Sherloc (09022015). Collection method: clinical testing. Allele origin: germline.
Comment: In summary, the available evidence is currently insufficient to determine the role of this variant in disease. Therefore, it has been classified as a Variant of Uncertain Significance. Advanced modeling of protein sequence and biophysical properties (such as structural, functional, and spatial information, amino acid conservation, physicochemical variation, residue mobility, and thermodynamic stability) performed at Invitae indicates that this missense variant is expected to disrupt MEN1 protein function. ClinVar contains an entry for this variant (Variation ID: 403840). This variant has not been reported in the literature in individuals affected with MEN1-related conditions. This variant is not present in population databases (gnomAD no frequency). This sequence change replaces arginine, which is basic and polar, with leucine, which is neutral and non-polar, at codon 330 of the MEN1 protein (p.Arg330Leu).

NM_001370259.2(MEN1):c.989G>T (p.Arg330Leu)

Gene: MEN1 (menin 1; minus strand). Cytogenetic location: 11q13.1.
Variant type: single nucleotide variant.
Coding change: c.989G>T on transcript NM_001370259.2 (MANE Select); coding-DNA position 989, G replaced by T.
Protein change: p.Arg330Leu; replaces arginine 330 with leucine.
Molecular consequence: missense variant.
Genome position (GRCh38, 1-based): chr11:64,806,292, C>A on the plus strand (G>T on the coding strand, the complement: MEN1 is on the minus strand). VCF-style: chr11-64806292-C-A. GRCh37 (hg19) VCF-style: chr11-64573764-C-A.
Other names: c.1004G>T, p.Arg335Leu (NM_000244.4, NM_130800.3, NM_130801.3 and 3 more transcripts); c.989G>T, p.Arg330Leu (NM_001370251.2, NM_001370260.2, NM_001370261.2 and 1 more transcripts); c.884G>T, p.Arg295Leu (NM_001370262.2, NM_001370263.2); short protein forms R335L, R330L, R295L.
Identifiers: ClinVar variation 403840 (VCV000403840.8), dbSNP rs373135175, ClinGen allele CA16613625.
Genomic context (GRCh38, chr11:64,806,292, plus strand): 5'-TCCTGGATGACAGTGGCCGTGTCCGCCCAGGCCTGCAGGGCTTCCCGCACATTGCGGTTG[C>A]GACAGTGGTAGCCAGCCAGGTACATGTAGGGGTAGATGTGTTCATCCCGATAGTAGGTCT-3'
Protein context (NP_001357188.2, residues 320-340): PYMYLAGYHC[Arg330Leu]NRNVREALQA